The following is an entry in ClinVar:

ClinVar aggregate classification (germline): Pathogenic/Likely pathogenic. Review status: criteria provided, multiple submitters, no conflicts (2 of 4 stars). 3 submissions from 3 submitters: Pathogenic (2); Likely pathogenic (1). Last evaluated 2026-01-23.

Conditions:
Autosomal recessive Alport syndrome (ATS2). Also called: COL4A4 Alport Syndrome and Thin Basement Membrane Nephropathy; COL4A3-Related Nephropathy; ALPORT SYNDROME 2, AUTOSOMAL RECESSIVE; Alport syndrome type 2. Identifiers: Orphanet 63, Orphanet 88919, MedGen C4746745, MONDO:0008762, OMIM 203780.
Hematuria, benign familial, 1 (BFH1). Also called: THIN MEMBRANE NEPHROPATHY. Identifiers: MedGen CN376803, MONDO:0007709, OMIM 141200.
Alport syndrome. Also called: Hemorrhagic familial nephritis; Hemorrhagic hereditary nephritis; Congenital hereditary hematuria. Identifiers: Orphanet 63, MedGen C1567741, MONDO:0018965.

Submissions (3):

Natera, Inc.
Classification: Pathogenic for Alport syndrome. Last evaluated: 2026-01-23. Review status: criteria provided, single submitter. Criteria: Natera Variant Classification Schema (03/2026). Collection method: clinical testing. Allele origin: germline.
Comment: The c.3636_3637delAG variant in COL4A4 is a frameshift variant predicted to shift the reading frame beginning at codon 1213 and leads to a stop codon 39 codons downstream. This variant is expected to result in nonsense mediated decay, truncation, or a dysfunctional protein product. This variant is rare in the general population with a frequency below the threshold expected for the associated phenotype(s). This variant has been observed in one or more individuals affected with the associated recessive disease, as either homozygous or compound heterozygous with a second variant (PMID: 33772369, 32703181). Given the available evidence, this variant is classified as Pathogenic.

Fulgent Genetics
Classification: Pathogenic for Hematuria, benign familial, 1; Autosomal recessive Alport syndrome. Last evaluated: 2024-03-08. Review status: criteria provided, single submitter. Criteria: ACMG Guidelines, 2015. Collection method: clinical testing. Allele origin: germline.

Precision Medicine Center, Zhengzhou University
Classification: Likely pathogenic for Autosomal recessive Alport syndrome. Last evaluated: 2023-12-01. Review status: criteria provided, single submitter. Criteria: ACMG Guidelines, 2015. Collection method: clinical testing. Allele origin: maternal.
Comment: PVS1,PM2_p

Literature cited by the submitters: PubMed 33772369 (cited by Natera, Inc.); PubMed 32703181 (cited by Natera, Inc.).

NM_000092.5(COL4A4):c.3636_3637del (p.Gly1213fs)

Gene: COL4A4 (collagen type IV alpha 4 chain; minus strand). Cytogenetic location: 2q36.3.
Variant type: Microsatellite.
Coding change: c.3636_3637del on transcript NM_000092.5 (MANE Select); coding-DNA positions 3636 to 3637, 2 bases deleted (AG; older notation c.3636_3637delAG).
Protein change: p.Gly1213fs; shifts the reading frame from glycine 1213.
Molecular consequence: frameshift variant.
Genome position (GRCh38, 1-based): chr2:227,032,217-227,032,218, CT deleted on the plus strand (AG on the coding strand, the reverse complement: COL4A4 is on the minus strand); deleting any 2 consecutive bases within chr2:227,032,217-227,032,223 gives the same sequence; the c. name uses the placement nearest the transcript's 3' end. VCF-style (leftmost placement, unchanged base first): chr2-227032216-CCT-C. GRCh37 (hg19) VCF-style: chr2-227896932-CCT-C.
Other names: c.3636_3637delAG (NM_000092.4); short protein forms G1213fs.
Identifiers: ClinVar variation 2681770 (VCV002681770.4), dbSNP rs2473354582.